The following is an entry in ClinVar:

NM_014975.3(MAST1):c.3142G>T (p.Ala1048Ser)

Gene: MAST1 (microtubule associated serine/threonine kinase 1; plus strand). Cytogenetic location: 19p13.13.
Variant type: single nucleotide variant.
Coding change: c.3142G>T on transcript NM_014975.3 (MANE Select); coding-DNA position 3142, G replaced by T.
Protein change: p.Ala1048Ser; replaces alanine 1048 with serine.
Molecular consequence: missense variant.
Genome position (GRCh38, 1-based): chr19:12,871,051, G>T. VCF-style: chr19-12871051-G-T. GRCh37 (hg19) VCF-style: chr19-12981865-G-T.
Other names: c.3142G>T (NM_014975.2); short protein forms A1048S.
Identifiers: ClinVar variation 2062763 (VCV002062763.7), dbSNP rs35052801, ClinGen allele CA9233330.

ClinVar aggregate classification (germline): Likely benign. Review status: criteria provided, multiple submitters, no conflicts (2 of 4 stars). 3 submissions from 3 submitters: Likely benign (2). 1 of the submissions does not count toward it. Last evaluated 2025-10-21.

Conditions:
Inborn genetic diseases. Identifiers: MedGen C0950123, MeSH D030342.
MAST1-related disorder. Also called: MAST1-related condition.

Allele frequency attached by ClinVar (database versions not stated): ESP Exome Variant Server 0.00023; TOPMed 0.00031; gnomAD 0.00040; ExAC 0.00044.
gnomAD v4.1: 869 of 1,614,182 alleles (0.054%); highest among the groups gnomAD compares: Non-Finnish European, 0.066%; no homozygotes.

Submissions (3):

Labcorp Genetics (formerly Invitae), Labcorp
Classification: Likely benign. Last evaluated: 2025-10-21. Review status: criteria provided, single submitter. Criteria: Invitae Variant Classification Sherloc (09022015). Collection method: clinical testing. Allele origin: germline.

Ambry Genetics
Classification: Likely benign for Inborn genetic diseases. Last evaluated: 2022-07-20. Review status: criteria provided, single submitter. Criteria: Ambry Variant Classification Scheme 2023. Collection method: clinical testing. Allele origin: germline.

PreventionGenetics, part of Exact Sciences
Classification: Likely benign for MAST1-related condition. Last evaluated: 2023-03-23. Review status: no assertion criteria provided. Collection method: clinical testing. Allele origin: germline. Not counted in ClinVar's aggregate classification.
Comment: This variant is classified as likely benign based on ACMG/AMP sequence variant interpretation guidelines (Richards et al. 2015 PMID: 25741868, with internal and published modifications).